The following is an entry in ClinVar:

NM_020442.6(VARS2):c.641T>G (p.Phe214Cys)

Gene: VARS2 (valyl-tRNA synthetase 2, mitochondrial; plus strand). Cytogenetic location: 6p21.33.
Variant type: single nucleotide variant.
Coding change: c.641T>G on transcript NM_020442.6 (MANE Select); coding-DNA position 641, T replaced by G.
Protein change: p.Phe214Cys; replaces phenylalanine 214 with cysteine.
Molecular consequence: missense variant.
Genome position (GRCh38, 1-based): chr6:30,916,219, T>G. VCF-style: chr6-30916219-T-G. GRCh37 (hg19) VCF-style: chr6-30883996-T-G.
Other names: c.221T>G, p.Phe74Cys (NM_001167733.3); c.731T>G, p.Phe244Cys (NM_001167734.2); short protein forms F244C, F214C, F74C.
Identifiers: ClinVar variation 2012533 (VCV002012533.4), dbSNP rs537794202, ClinGen allele CA136804224.
Genomic context (GRCh38, chr6:30,916,219, plus strand): 5'-TGGAGAAACAACTGTGGAAGGAACGGGGAGTGAGGAGACATGAGCTGAGCCGGGAGGCCT[T>G]CCTTAGGGAGGTGTGGCAGTGGAAGGAGGCGTGAGTATGATGGGCAGGACTCGGGGGGCC-3'
Protein context (NP_065175.4, residues 204-224): VRRHELSREA[Phe214Cys]LREVWQWKEA

ClinVar aggregate classification (germline): Uncertain significance (1 of 4 stars; one submission).

Allele frequency attached by ClinVar (database versions not stated): gnomAD 0.00001; 1000 Genomes Project 0.00020; 1000 Genomes Project 30x 0.00031.
gnomAD v4.1: 1 of 1,613,436 alleles (0.000062%); highest among the groups gnomAD compares: Non-Finnish European, 0.000085%; no homozygotes.

Submission:

Labcorp Genetics (formerly Invitae), Labcorp
Classification: Uncertain significance. Last evaluated: 2022-06-30. Review status: criteria provided, single submitter. Criteria: Invitae Variant Classification Sherloc (09022015). Collection method: clinical testing. Allele origin: germline.
Comment: This variant has not been reported in the literature in individuals affected with VARS2-related conditions. Algorithms developed to predict the effect of missense changes on protein structure and function are either unavailable or do not agree on the potential impact of this missense change (SIFT: "Deleterious"; PolyPhen-2: "Probably Damaging"; Align-GVGD: "Class C15"). In summary, the available evidence is currently insufficient to determine the role of this variant in disease. Therefore, it has been classified as a Variant of Uncertain Significance. This sequence change replaces phenylalanine, which is neutral and non-polar, with cysteine, which is neutral and slightly polar, at codon 244 of the VARS2 protein (p.Phe244Cys). This variant is not present in population databases (gnomAD no frequency).